The following is an entry in ClinVar:

NM_021098.3(CACNA1H):c.6107A>G (p.Asp2036Gly)

Gene: CACNA1H (calcium voltage-gated channel subunit alpha1 H; plus strand). Cytogenetic location: 16p13.3.
Variant type: single nucleotide variant.
Coding change: c.6107A>G on transcript NM_021098.3 (MANE Select); coding-DNA position 6107, A replaced by G.
Protein change: p.Asp2036Gly; replaces aspartic acid 2036 with glycine.
Molecular consequence: missense variant.
Genome position (GRCh38, 1-based): chr16:1,220,039, A>G. VCF-style: chr16-1220039-A-G. GRCh37 (hg19) VCF-style: chr16-1270039-A-G.
Other names: c.6089A>G, p.Asp2030Gly (NM_001005407.2); c.6107A>G (NM_021098.2); short protein forms D2030G, D2036G.
Identifiers: ClinVar variation 1903003 (VCV001903003.6), dbSNP rs942219537, ClinGen allele CA276613710.
Genomic context (GRCh38, chr16:1,220,039, plus strand): 5'-AGGAGGCTGTGCACACCGATTCCTTGGAAGGGAAGATTGACAGCCCTAGGGACACCCTGG[A>G]TCCTGCAGAGCCTGGTGAGAAAACCCCGGTGAGGCCGGTGACCCAGGGGGGCTCCCTGCA-3'
Protein context (NP_066921.2, residues 2026-2046): GKIDSPRDTL[Asp2036Gly]PAEPGEKTPV

ClinVar aggregate classification (germline): Uncertain significance. Review status: criteria provided, multiple submitters, no conflicts (2 of 4 stars). 2 submissions from 2 submitters: Uncertain significance (2). Last evaluated 2025-06-21.

Conditions:
Hyperaldosteronism, familial, type IV (HALD4). Also called: FH IV; ALDOSTERONISM, PRIMARY, AND HYPERTENSION. Identifiers: Orphanet 642671, MedGen C4310756, MONDO:0014875, OMIM 617027.
Idiopathic generalized epilepsy. Also called: EIG; Generalised epilepsy. Identifiers: MedGen C0270850, MONDO:0005579, OMIM 600669.

Allele frequency attached by ClinVar (database versions not stated): gnomAD 0.00001.

Submissions (2):

GeneDx
Classification: Uncertain significance. Last evaluated: 2025-06-21. Review status: criteria provided, single submitter. Criteria: GeneDx Variant Classification Process June 2021. Collection method: clinical testing. Allele origin: germline. Affected: yes.
Comment: Not observed at significant frequency in large population cohorts (gnomAD); In silico analysis suggests that this missense variant does not alter protein structure/function; Has not been previously published as pathogenic or benign to our knowledge

Labcorp Genetics (formerly Invitae), Labcorp
Classification: Uncertain significance for Idiopathic generalized epilepsy; Hyperaldosteronism, familial, type IV. Last evaluated: 2021-12-31. Review status: criteria provided, single submitter. Criteria: Invitae Variant Classification Sherloc (09022015). Collection method: clinical testing. Allele origin: germline.
Comment: In summary, the available evidence is currently insufficient to determine the role of this variant in disease. Therefore, it has been classified as a Variant of Uncertain Significance. Advanced modeling of protein sequence and biophysical properties (such as structural, functional, and spatial information, amino acid conservation, physicochemical variation, residue mobility, and thermodynamic stability) performed at Invitae indicates that this missense variant is not expected to disrupt CACNA1H protein function. This variant has not been reported in the literature in individuals affected with CACNA1H-related conditions. This variant is not present in population databases (gnomAD no frequency). This sequence change replaces aspartic acid, which is acidic and polar, with glycine, which is neutral and non-polar, at codon 2036 of the CACNA1H protein (p.Asp2036Gly).